The following is an entry in ClinVar:

NM_024675.4(PALB2):c.3049G>C (p.Ala1017Pro)

Gene: PALB2 (partner and localizer of BRCA2; minus strand). Cytogenetic location: 16p12.2.
Variant type: single nucleotide variant.
Coding change: c.3049G>C on transcript NM_024675.4 (MANE Select); coding-DNA position 3049, G replaced by C.
Protein change: p.Ala1017Pro; replaces alanine 1017 with proline.
Molecular consequence: missense variant.
Genome position (GRCh38, 1-based): chr16:23,621,426, C>G on the plus strand (G>C on the coding strand, the complement: PALB2 is on the minus strand). VCF-style: chr16-23621426-C-G. GRCh37 (hg19) VCF-style: chr16-23632747-C-G.
Other names: short protein forms A1017P.
Identifiers: ClinVar variation 822716 (VCV000822716.7), dbSNP rs759795184, ClinGen allele CA395143032.
Genomic context (GRCh38, chr16:23,621,426, plus strand): 5'-TAACAATGTTGTTCATAATAGTAGTACCAAGCAGAGCTTCTTGCATCCCTTGGACCTCAG[C>G]AAAAGTTAGTATAGTCTCCTCAGGGGGCATCAAAAATTGGTTTTCTTTGCCTCTGTAATT-3'
Protein context (NP_078951.2, residues 1007-1027): MPPEETILTF[Ala1017Pro]EVQGMQEALL

ClinVar aggregate classification (germline): Uncertain significance. Review status: criteria provided, multiple submitters, no conflicts (2 of 4 stars). 2 submissions from 2 submitters: Uncertain significance (2). Last evaluated 2023-01-24.

Conditions:
Familial cancer of breast. Also called: BREAST CANCER, FAMILIAL; Hereditary breast cancer; hereditary breast carcinoma. Identifiers: Orphanet 227535, MedGen C0346153, MONDO:0016419, OMIM 114480. Disease mechanism: loss of function.
Hereditary cancer-predisposing syndrome. Also called: Tumor predisposition; Hereditary Cancer Syndrome; Neoplastic Syndromes, Hereditary; Hereditary neoplastic syndrome. Identifiers: Orphanet 140162, MedGen C0027672, MeSH D009386, MONDO:0015356.

Submissions (2):

Labcorp Genetics (formerly Invitae), Labcorp
Classification: Uncertain significance for Familial cancer of breast. Last evaluated: 2023-01-24. Review status: criteria provided, single submitter. Criteria: Invitae Variant Classification Sherloc (09022015). Collection method: clinical testing. Allele origin: germline.
Comment: This sequence change replaces alanine, which is neutral and non-polar, with proline, which is neutral and non-polar, at codon 1017 of the PALB2 protein (p.Ala1017Pro). In summary, the available evidence is currently insufficient to determine the role of this variant in disease. Therefore, it has been classified as a Variant of Uncertain Significance. Advanced modeling of protein sequence and biophysical properties (such as structural, functional, and spatial information, amino acid conservation, physicochemical variation, residue mobility, and thermodynamic stability) performed at Invitae indicates that this missense variant is expected to disrupt PALB2 protein function. ClinVar contains an entry for this variant (Variation ID: 822716). This variant has not been reported in the literature in individuals affected with PALB2-related conditions. This variant is not present in population databases (gnomAD no frequency).

Ambry Genetics
Classification: Uncertain significance for Hereditary cancer-predisposing syndrome. Last evaluated: 2019-03-12. Review status: criteria provided, single submitter. Criteria: Ambry Variant Classification Scheme 2023. Collection method: clinical testing. Allele origin: germline.
Comment: The p.A1017P variant (also known as c.3049G>C), located in coding exon 10 of the PALB2 gene, results from a G to C substitution at nucleotide position 3049. The alanine at codon 1017 is replaced by proline, an amino acid with highly similar properties. This amino acid position is well conserved in available vertebrate species. In addition, the in silico prediction for this alteration is inconclusive. Since supporting evidence is limited at this time, the clinical significance of this alteration remains unclear.